The following is an entry in ClinVar:

NM_002907.4(RECQL):c.57T>G (p.His19Gln)

Gene: RECQL (RecQ like helicase; minus strand). Cytogenetic location: 12p12.1.
Variant type: single nucleotide variant.
Coding change: c.57T>G on transcript NM_002907.4 (MANE Select); coding-DNA position 57, T replaced by G.
Protein change: p.His19Gln; replaces histidine 19 with glutamine.
Molecular consequence: missense variant.
Genome position (GRCh38, 1-based): chr12:21,491,676, A>C on the plus strand (T>G on the coding strand, the complement: RECQL is on the minus strand). VCF-style: chr12-21491676-A-C. GRCh37 (hg19) VCF-style: chr12-21644610-A-C.
Other names: c.57T>G, p.His19Gln (NM_032941.3); short protein forms H19Q.
Identifiers: ClinVar variation 1749773 (VCV001749773.3), dbSNP rs1943417983, ClinGen allele CA384134662.

ClinVar aggregate classification (germline): Uncertain significance (1 of 4 stars; one submission).

Submission:

Ambry Genetics
Classification: Uncertain significance. Last evaluated: 2025-01-09. Review status: criteria provided, single submitter. Criteria: Ambry Variant Classification Scheme 2023. Collection method: clinical testing. Allele origin: germline.
Comment: The p.H19Q variant (also known as c.57T>G), located in coding exon 2 of the RECQL gene, results from a T to G substitution at nucleotide position 57. The histidine at codon 19 is replaced by glutamine, an amino acid with highly similar properties. This amino acid position is conserved. In addition, this alteration is predicted to be tolerated by in silico analysis. Since supporting evidence is limited at this time, the clinical significance of this alteration remains unclear.